The following is an entry in ClinVar:

NM_004463.3(FGD1):c.2155G>C (p.Asp719His)

Gene: FGD1 (FYVE, RhoGEF and PH domain containing 1; minus strand). Cytogenetic location: Xp11.22.
Variant type: single nucleotide variant.
Coding change: c.2155G>C on transcript NM_004463.3 (MANE Select); coding-DNA position 2155, G replaced by C.
Protein change: p.Asp719His; replaces aspartic acid 719 with histidine.
Molecular consequence: missense variant.
Genome position (GRCh38, 1-based): chrX:54,449,262, C>G on the plus strand (G>C on the coding strand, the complement: FGD1 is on the minus strand). VCF-style: chrX-54449262-C-G. GRCh37 (hg19) VCF-style: chrX-54475695-C-G.
Other names: short protein forms D719H.
Identifiers: ClinVar variation 4766399 (VCV004766399.1).

ClinVar aggregate classification (germline): Uncertain significance (1 of 4 stars; one submission).

Submission:

Labcorp Genetics (formerly Invitae), Labcorp
Classification: Uncertain significance. Last evaluated: 2025-02-15. Review status: criteria provided, single submitter. Criteria: Invitae Variant Classification Sherloc (09022015). Collection method: clinical testing. Allele origin: germline.
Comment: This sequence change replaces aspartic acid, which is acidic and polar, with histidine, which is basic and polar, at codon 719 of the FGD1 protein (p.Asp719His). This variant is present in population databases (no rsID available, gnomAD 0.005%), including at least one homozygous and/or hemizygous individual. This variant has not been reported in the literature in individuals affected with FGD1-related conditions. Invitae Evidence Modeling of protein sequence and biophysical properties (such as structural, functional, and spatial information, amino acid conservation, physicochemical variation, residue mobility, and thermodynamic stability) has been performed for this missense variant. However, the output from this modeling did not meet the statistical confidence thresholds required to predict the impact of this variant on FGD1 protein function. In summary, the available evidence is currently insufficient to determine the role of this variant in disease. Therefore, it has been classified as a Variant of Uncertain Significance.